The following is an entry in ClinVar:

ClinVar aggregate classification (germline): Pathogenic/Likely pathogenic. Review status: criteria provided, multiple submitters, no conflicts (2 of 4 stars). 2 submissions from 2 submitters: Pathogenic (1); Likely pathogenic (1). Last evaluated 2024-03-12.

Conditions:
Pyruvate carboxylase deficiency. Also called: ATAXIA WITH LACTIC ACIDOSIS II; LEIGH NECROTIZING ENCEPHALOPATHY DUE TO PYRUVATE CARBOXYLASE DEFICIENCY; LEIGH SYNDROME DUE TO PYRUVATE CARBOXYLASE DEFICIENCY; PC DEFICIENCY; Pyruvate Carboxylase Deficiency Disease. Identifiers: Orphanet 3008, MedGen C0034341, MONDO:0009949, OMIM 266150.

Submissions (2):

Fulgent Genetics
Classification: Likely pathogenic for Pyruvate carboxylase deficiency. Last evaluated: 2024-03-12. Review status: criteria provided, single submitter. Criteria: ACMG Guidelines, 2015. Collection method: clinical testing. Allele origin: germline.

Labcorp Genetics (formerly Invitae), Labcorp
Classification: Pathogenic for Pyruvate carboxylase deficiency. Last evaluated: 2024-01-21. Review status: criteria provided, single submitter. Criteria: Invitae Variant Classification Sherloc (09022015). Collection method: clinical testing. Allele origin: germline.
Comment: This sequence change affects a splice site in intron 17 of the PC gene. RNA analysis indicates that disruption of this splice site induces altered splicing and may result in an absent or disrupted protein product. This variant is present in population databases (rs755082537, gnomAD 0.006%). Disruption of this splice site has been observed in individual(s) with pyruvate carboxylase deficiency (PMID: 12112657). This variant is also known as IVS15+2-5delTAGG. Studies have shown that disruption of this splice site results in activation of a cryptic splice site and introduces a premature termination codon (PMID: 12112657). The resulting mRNA is expected to undergo nonsense-mediated decay. For these reasons, this variant has been classified as Pathogenic.

Literature cited by the submitters: PubMed 12112657 (cited by Labcorp Genetics (formerly Invitae), Labcorp).

NM_001040716.2(PC):c.2473+2_2473+5del

Gene: PC (pyruvate carboxylase; minus strand). Cytogenetic location: 11q13.2.
Variant type: Deletion.
Coding change: c.2473+2_2473+5del on transcript NM_001040716.2 (MANE Select); the canonical splice donor site of the intron after coding-DNA position 2473 through 5 bases into the intron after coding-DNA position 2473, 4 bases deleted (TAGG; older notation c.2473+2_2473+5delTAGG).
Molecular consequence: splice donor variant.
Genome position (GRCh38, 1-based): chr11:66,850,669-66,850,672, CCTA deleted on the plus strand (TAGG on the coding strand, the reverse complement: PC is on the minus strand); deleting any 4 consecutive bases within chr11:66,850,669-66,850,675 gives the same sequence; the c. name uses the placement nearest the transcript's 3' end. VCF-style (leftmost placement, unchanged base first): chr11-66850668-TCCTA-T. GRCh37 (hg19) VCF-style: chr11-66618139-TCCTA-T.
Other names: c.2473+2_2473+5del (NM_000920.4, NM_022172.3).
Identifiers: ClinVar variation 2735671 (VCV002735671.4), dbSNP rs755082537, ClinGen allele CA6131076.